The following is an entry in ClinVar:

NM_000489.6(ATRX):c.1772C>T (p.Thr591Ile)

Gene: ATRX (ATRX chromatin remodeler; minus strand). Cytogenetic location: Xq21.1.
Variant type: single nucleotide variant.
Coding change: c.1772C>T on transcript NM_000489.6 (MANE Select); coding-DNA position 1772, C replaced by T.
Protein change: p.Thr591Ile; replaces threonine 591 with isoleucine.
Molecular consequence: missense variant.
Genome position (GRCh38, 1-based): chrX:77,683,484, G>A on the plus strand (C>T on the coding strand, the complement: ATRX is on the minus strand). VCF-style: chrX-77683484-G-A. GRCh37 (hg19) VCF-style: chrX-76938976-G-A.
Other names: c.1658C>T, p.Thr553Ile (NM_138270.5); short protein forms T591I, T553I.
Identifiers: ClinVar variation 1912246 (VCV001912246.6), dbSNP rs2148615196, ClinGen allele CA413716555.

ClinVar aggregate classification (germline): Uncertain significance. Review status: criteria provided, multiple submitters, no conflicts (2 of 4 stars). 2 submissions from 2 submitters: Uncertain significance (2). Last evaluated 2025-01-07.

Conditions:
Alpha thalassemia-X-linked intellectual disability syndrome (ATRX). Also called: ATR, NONDELETION TYPE; ATR-X syndrome; Alpha thalassemia mental retardation syndrome, nondeletion type, X-linked; XLMR hypotonic face syndrome; ALPHA-THALASSEMIA/MENTAL RETARDATION SYNDROME, X-LINKED; X-linked alpha-thalassemia-mental retardation syndrome. Identifiers: Orphanet 847, MedGen C1845055, MONDO:0010519, OMIM 301040.
Intellectual disability-hypotonic facies syndrome, X-linked, 1 (MRXHF1). Also called: XLMR-HYPOTONIC FACIES SYNDROME; CHUDLEY-LOWRY SYNDROME; Chudley syndrome 1; Chudley-Lowry-Hoar syndrome; Carpenter-Waziri syndrome; Smith Fineman Myers syndrome 1. Identifiers: Orphanet 73220, Orphanet 93970, Orphanet 93971, Orphanet 93972, Orphanet 93973, Orphanet 93974, Orphanet 93975, MedGen C4759781, MONDO:0010663, OMIM 309580.

Submissions (2):

Human Genetics Bochum, Ruhr University Bochum
Classification: Uncertain significance for Alpha thalassemia-X-linked intellectual disability syndrome; Intellectual disability-hypotonic facies syndrome, X-linked, 1. Last evaluated: 2025-01-07. Review status: criteria provided, single submitter. Criteria: ACMG Guidelines, 2015. Collection method: clinical testing. Allele origin: germline. Affected: yes.
Comment: ACMG criteria used to clasify this variant: PP3_MOD, PM2_SUP, PP2

Labcorp Genetics (formerly Invitae), Labcorp
Classification: Uncertain significance for Alpha thalassemia-X-linked intellectual disability syndrome. Last evaluated: 2022-01-11. Review status: criteria provided, single submitter. Criteria: Invitae Variant Classification Sherloc (09022015). Collection method: clinical testing. Allele origin: germline.
Comment: This sequence change replaces threonine, which is neutral and polar, with isoleucine, which is neutral and non-polar, at codon 591 of the ATRX protein (p.Thr591Ile). This variant is not present in population databases (gnomAD no frequency). This variant has not been reported in the literature in individuals affected with ATRX-related conditions. Advanced modeling of protein sequence and biophysical properties (such as structural, functional, and spatial information, amino acid conservation, physicochemical variation, residue mobility, and thermodynamic stability) performed at Invitae indicates that this missense variant is expected to disrupt ATRX protein function. In summary, the available evidence is currently insufficient to determine the role of this variant in disease. Therefore, it has been classified as a Variant of Uncertain Significance.